The following is an entry in ClinVar:

NM_004830.4(MED23):c.3115C>A (p.Pro1039Thr)

Gene: MED23 (mediator complex subunit 23; minus strand). Cytogenetic location: 6q23.2.
Variant type: single nucleotide variant.
Coding change: c.3115C>A on transcript NM_004830.4 (MANE Select); coding-DNA position 3115, C replaced by A.
Protein change: p.Pro1039Thr; replaces proline 1039 with threonine.
Molecular consequence: missense variant.
Genome position (GRCh38, 1-based): chr6:131,594,216, G>T on the plus strand (C>A on the coding strand, the complement: MED23 is on the minus strand). VCF-style: chr6-131594216-G-T. GRCh37 (hg19) VCF-style: chr6-131915356-G-T.
Other names: c.3115C>A, p.Pro1039Thr (NM_001270521.2, NM_001270522.2); c.3133C>A, p.Pro1045Thr (NM_001376517.1, NM_015979.4); c.3061C>A, p.Pro1021Thr (NM_001376518.1); c.2977C>A, p.Pro993Thr (NM_001376519.1, NM_001376521.1); c.2974C>A, p.Pro992Thr (NM_001376520.1); c.2944C>A, p.Pro982Thr (NM_001376522.1); c.2860C>A, p.Pro954Thr (NM_001376523.1); c.2728C>A, p.Pro910Thr (NM_001376524.1); short protein forms P1021T, P1039T, P1045T, P910T, P954T, P982T, P992T, P993T.
Identifiers: ClinVar variation 3899765 (VCV003899765.1).

ClinVar aggregate classification (germline): Uncertain significance (1 of 4 stars; one submission).

Submission:

GeneDx
Classification: Uncertain significance. Last evaluated: 2024-11-19. Review status: criteria provided, single submitter. Criteria: GeneDx Variant Classification Process June 2021. Collection method: clinical testing. Allele origin: germline. Affected: yes.
Comment: Not observed at significant frequency in large population cohorts (gnomAD); In silico analysis supports that this missense variant has a deleterious effect on protein structure/function; Has not been previously published as pathogenic or benign to our knowledge